The following is an entry in ClinVar:

NM_145059.3(FCSK):c.2091G>T (p.Gln697His)

Gene: FCSK (fucose kinase; plus strand). Cytogenetic location: 16q22.1.
Variant type: single nucleotide variant.
Coding change: c.2091G>T on transcript NM_145059.3 (MANE Select); coding-DNA position 2091, G replaced by T.
Protein change: p.Gln697His; replaces glutamine 697 with histidine.
Molecular consequence: missense variant.
Genome position (GRCh38, 1-based): chr16:70,474,630, G>T. VCF-style: chr16-70474630-G-T. GRCh37 (hg19) VCF-style: chr16-70508533-G-T.
Other names: short protein forms Q697H.
Identifiers: ClinVar variation 2106837 (VCV002106837.4), dbSNP rs2507440019, ClinGen allele CA396572312.
Genomic context (GRCh38, chr16:70,474,630, plus strand): 5'-TGGTCAGATCCTGATCCGCCAGGCTGTGATGTCAGCCCAGCACTTTGTCTCCACAGAGCA[G>T]GTGGAACTGCCGGGACCTGGGCAGTGGGTGGTGGCTGAGTGCCCGGCCCGTGTGGATTTC-3'
Protein context (NP_659496.2, residues 687-707): MSAQHFVSTE[Gln697His]VELPGPGQWV

ClinVar aggregate classification (germline): Uncertain significance (1 of 4 stars; one submission).

Allele frequency attached by ClinVar (database versions not stated): gnomAD exomes below 0.00001.
gnomAD v4.1: 2 of 1,592,572 alleles (0.00013%); highest among the groups gnomAD compares: Non-Finnish European, 0.00017%; no homozygotes.

Submission:

Labcorp Genetics (formerly Invitae), Labcorp
Classification: Uncertain significance. Last evaluated: 2024-06-17. Review status: criteria provided, single submitter. Criteria: Invitae Variant Classification Sherloc (09022015). Collection method: clinical testing. Allele origin: germline.
Comment: This sequence change replaces glutamine, which is neutral and polar, with histidine, which is basic and polar, at codon 697 of the FUK protein (p.Gln697His). This variant is not present in population databases (gnomAD no frequency). This variant has not been reported in the literature in individuals affected with FUK-related conditions. ClinVar contains an entry for this variant (Variation ID: 2106837). An algorithm developed to predict the effect of missense changes on protein structure and function (PolyPhen-2) suggests that this variant is likely to be tolerated. Algorithms developed to predict the effect of sequence changes on RNA splicing suggest that this variant may create or strengthen a splice site. In summary, the available evidence is currently insufficient to determine the role of this variant in disease. Therefore, it has been classified as a Variant of Uncertain Significance.